The following is an entry in ClinVar:

ClinVar aggregate classification (germline): Conflicting classifications of pathogenicity. Review status: criteria provided, conflicting classifications (1 of 4 stars). 7 submissions from 7 submitters: Uncertain significance (2); Benign (1); Likely benign (4). Last evaluated 2026-09-01.

Conditions:
Congenital myasthenic syndrome 2A. Also called: Myasthenic syndrome, congenital, 2a, slow-channel. Identifiers: Orphanet 590, MedGen C4225374, MONDO:0014581, OMIM 616313.
Congenital myasthenic syndrome 4C (CMS4C). Also called: Myasthenic syndrome, congenital, associated with acetylcholine receptor deficiency. Identifiers: Orphanet 590, MedGen C1837091, MONDO:0012157, OMIM 608931.

Allele frequency attached by ClinVar (database versions not stated): 1000 Genomes Project 30x 0.00250; ESP Exome Variant Server 0.00277; 1000 Genomes Project 0.00280; ExAC 0.00297; gnomAD exomes 0.00342 and 0.00399; TOPMed 0.00365; gnomAD 0.00404 and 0.00411.
gnomAD v4.1: 6,390 of 1,613,548 alleles (0.4%); highest among the groups gnomAD compares: Admixed American, 0.64%; 26 homozygotes.

Submissions (7):

CeGaT Center for Human Genetics Tuebingen
Classification: Likely benign. Last evaluated: 2026-09-01. Review status: criteria provided, single submitter. Criteria: CeGaT Center For Human Genetics Tuebingen Variant Classification Criteria Version 2. Collection method: clinical testing. Allele origin: germline. Affected: yes. Observed: 1 variant allele.
Comment: CHRNB1: BP4, BP7, BS2

Labcorp Genetics (formerly Invitae), Labcorp
Classification: Benign for Congenital myasthenic syndrome 2A. Last evaluated: 2026-02-02. Review status: criteria provided, single submitter. Criteria: Invitae Variant Classification Sherloc (09022015). Collection method: clinical testing. Allele origin: germline.

Mayo Clinic Laboratories, Mayo Clinic
Classification: Likely benign. Last evaluated: 2025-03-21. Review status: criteria provided, single submitter. Criteria: ACMG Guidelines, 2015. Collection method: clinical testing. Allele origin: germline. Observed: 3 variant alleles.
Comment: BS1, BP4, BP7

Blueprint Genetics
Classification: Likely benign. Last evaluated: 2024-11-22. Review status: criteria provided, single submitter. Criteria: ACMG Guidelines, 2015. Collection method: clinical testing. Allele origin: germline.

GeneDx
Classification: Likely benign. Last evaluated: 2020-01-10. Review status: criteria provided, single submitter. Criteria: GeneDx Variant Classification Process June 2021. Collection method: clinical testing. Allele origin: germline. Affected: yes.

Illumina Laboratory Services, Illumina
Classification: Uncertain significance for Congenital myasthenic syndrome 4C. Last evaluated: 2018-01-12. Review status: criteria provided, single submitter. Criteria: ICSL Variant Classification Criteria 13 December 2019. Collection method: clinical testing. Allele origin: germline.

Eurofins Ntd Llc (ga)
Classification: Uncertain significance. Last evaluated: 2014-11-15. Review status: criteria provided, single submitter. Criteria: EGL Classification Definitions 2015. Collection method: clinical testing. Allele origin: germline. Observed: 4 variant alleles, 4 heterozygotes.

NM_000747.3(CHRNB1):c.342G>A (p.Val114=)

Gene: CHRNB1 (cholinergic receptor nicotinic beta 1 subunit; plus strand). Cytogenetic location: 17p13.1.
Variant type: single nucleotide variant.
Coding change: c.342G>A on transcript NM_000747.3 (MANE Select); coding-DNA position 342, G replaced by A.
Protein change: p.Val114=; no amino-acid change (valine 114 retained).
Molecular consequence: synonymous variant.
Genome position (GRCh38, 1-based): chr17:7,446,931, G>A. VCF-style: chr17-7446931-G-A. GRCh37 (hg19) VCF-style: chr17-7350250-G-A.
Other names: p.Val114=.
Identifiers: ClinVar variation 197164 (VCV000197164.25), dbSNP rs75019736, ClinGen allele CA245151.
Genomic context (GRCh38, chr17:7,446,931, plus strand): 5'-GCACGACGGCATCGATTCGCTCCGCATCACGGCGGAATCCGTGTGGCTCCCTGACGTGGT[G>A]CTACTGAACAAGTAGGAGAACTTCCAAAGCCCGGGAGGTGGCGCGGGGCCTCGGGGGGCG-3'
Protein context (NP_000738.2, residues 104-124): TAESVWLPDV[Val114=]LLNNNDGNFD